The following is an entry in ClinVar:

NC_000001.10:g.(?_150771624)_(150772205_?)del

Gene: CTSK (cathepsin K; minus strand). Cytogenetic location: 1q21.3.
Variant type: Deletion.
Identifiers: ClinVar variation 3247892 (VCV003247892.1).

ClinVar aggregate classification (germline): Pathogenic (1 of 4 stars; one submission).

Submission:

Labcorp Genetics (formerly Invitae), Labcorp
Classification: Pathogenic. Last evaluated: 2023-10-24. Review status: criteria provided, single submitter. Criteria: Invitae Variant Classification Sherloc (09022015). Collection method: clinical testing. Allele origin: unknown.
Comment: This variant is a gross deletion of the genomic region encompassing exon(s) 6-7 of the CTSK gene. While this deletion is not anticipated to lead to nonsense mediated decay, it is expected to disrupt the C-terminus of the protein. This variant has not been reported in the literature in individuals affected with CTSK-related conditions. This variant disrupts a region of the CTSK protein in which other variant(s) (p.Cys318Tyr) have been determined to be pathogenic (PMID: 20814951, 24057333, 27558267). This suggests that this is a clinically significant region of the protein, and that variants that disrupt it are likely to be disease-causing. For these reasons, this variant has been classified as Pathogenic.

Literature cited by the submitters: PubMed 20814951; PubMed 24057333; PubMed 27558267.